The following is an entry in ClinVar:

NM_001085458.2(CTNND1):c.1154A>G (p.Asn385Ser)

Genes: TMX2-CTNND1 (TMX2-CTNND1 readthrough (NMD candidate); plus strand), CTNND1 (catenin delta 1; plus strand). Cytogenetic location: 11q12.1.
Variant type: single nucleotide variant.
Coding change: c.1154A>G on transcript NM_001085458.2 (MANE Select); coding-DNA position 1154, A replaced by G.
Protein change: p.Asn385Ser; replaces asparagine 385 with serine.
Molecular consequence: missense variant. On other transcripts: non-coding transcript variant (1).
Genome position (GRCh38, 1-based): chr11:57,801,930, A>G. VCF-style: chr11-57801930-A-G. GRCh37 (hg19) VCF-style: chr11-57569402-A-G.
Other names: c.1154A>G, p.Asn385Ser (NM_001085459.2, NM_001085460.2, NM_001085461.2 and 3 more transcripts); c.851A>G, p.Asn284Ser (NM_001085463.2, NM_001085464.2, NM_001085465.2 and 5 more transcripts); c.992A>G, p.Asn331Ser (NM_001206883.2, NM_001206884.2, NM_001206886.2 and 4 more transcripts); short protein forms N331S, N385S, N284S.
Identifiers: ClinVar variation 2292749 (VCV002292749.3), dbSNP rs757691006, ClinGen allele CA6010385.

ClinVar aggregate classification (germline): Uncertain significance. Review status: criteria provided, multiple submitters, no conflicts (2 of 4 stars). 2 submissions from 2 submitters: Uncertain significance (2). Last evaluated 2025-07-09.

Conditions:
CTNND1-related disorder. Also called: CTNND1-related condition.
Inborn genetic diseases. Identifiers: MedGen C0950123, MeSH D030342.

Allele frequency attached by ClinVar (database versions not stated): TOPMed below 0.00001; ExAC 0.00001; gnomAD 0.00001; gnomAD exomes 0.00001.
gnomAD v4.1: 14 of 1,613,922 alleles (0.00087%); highest among the groups gnomAD compares: South Asian, 0.0088%; 1 homozygote.

Submissions (2):

PreventionGenetics, part of Exact Sciences
Classification: Uncertain significance for CTNND1-related condition. Last evaluated: 2025-07-09. Review status: criteria provided, single submitter. Criteria: ACMG Guidelines, 2015. Collection method: clinical testing. Allele origin: germline.
Comment: The CTNND1 c.1154A>G variant is predicted to result in the amino acid substitution p.Asn385Ser. To our knowledge, this variant has not been reported in the literature. This variant is reported in 0.0033% of alleles in individuals of South Asian descent in gnomAD. At this time, the clinical significance of this variant is uncertain due to the absence of conclusive functional and genetic evidence.

Ambry Genetics
Classification: Uncertain significance for Inborn genetic diseases. Last evaluated: 2022-05-27. Review status: criteria provided, single submitter. Criteria: Ambry Variant Classification Scheme 2023. Collection method: clinical testing. Allele origin: germline.